The following is an entry in ClinVar:

ClinVar aggregate classification (germline): Conflicting classifications of pathogenicity. Review status: criteria provided, conflicting classifications (1 of 4 stars). 6 submissions from 6 submitters: Uncertain significance (4); Likely benign (2). Last evaluated 2025-11-11.

Conditions:
Cardiovascular phenotype. Identifiers: MedGen CN230736.
Duchenne muscular dystrophy (DMD). Also called: Duchenne Muscular Dystrophy (DMD); MUSCULAR DYSTROPHY, PSEUDOHYPERTROPHIC PROGRESSIVE, DUCHENNE TYPE. Identifiers: Orphanet 98896, MedGen C0013264, MONDO:0010679, OMIM 310200.

Allele frequency attached by ClinVar (database versions not stated): ExAC 0.00003; gnomAD exomes 0.00003; TOPMed 0.00005; gnomAD 0.00006 and 0.00007; ESP Exome Variant Server 0.00019.
gnomAD v4.1: 24 of 1,209,007 alleles (0.002%); highest among the groups gnomAD compares: African/African-American, 0.0087%; no homozygotes.

Submissions (6):

Labcorp Genetics (formerly Invitae), Labcorp
Classification: Likely benign for Duchenne muscular dystrophy. Last evaluated: 2025-11-11. Review status: criteria provided, single submitter. Criteria: Invitae Variant Classification Sherloc (09022015). Collection method: clinical testing. Allele origin: germline.

Ambry Genetics
Classification: Uncertain significance for Cardiovascular phenotype. Last evaluated: 2024-07-20. Review status: criteria provided, single submitter. Criteria: Ambry Variant Classification Scheme 2023. Collection method: clinical testing. Allele origin: germline.
Comment: The p.T3616A variant (also known as c.10846A>G), located in coding exon 76 of the DMD gene, results from an A to G substitution at nucleotide position 10846. The threonine at codon 3616 is replaced by alanine, an amino acid with similar properties. Based on data from gnomAD, the G allele has an overall frequency of 0.0027% (5/183156) total alleles studied, with 1 hemizygote(s) observed. The highest observed frequency was 0.0076% (1/13151) of African alleles. This amino acid position is highly conserved in available vertebrate species. In addition, this alteration is predicted to be tolerated by in silico analysis. Based on the available evidence, the clinical significance of this variant remains unclear.

Revvity Omics, Revvity
Classification: Uncertain significance. Last evaluated: 2019-08-20. Review status: criteria provided, single submitter. Criteria: ACMG Guidelines, 2015. Collection method: clinical testing. Allele origin: germline.

GeneDx
Classification: Likely benign. Last evaluated: 2018-02-07. Review status: criteria provided, single submitter. Criteria: GeneDx Variant Classification (06012015). Collection method: clinical testing. Allele origin: germline. Affected: yes.
Comment: This variant is considered likely benign or benign based on one or more of the following criteria: it is a conservative change, it occurs at a poorly conserved position in the protein, it is predicted to be benign by multiple in silico algorithms, and/or has population frequency not consistent with disease.

ARUP Laboratories, Molecular Genetics and Genomics, ARUP Laboratories
Classification: Uncertain significance. Last evaluated: 2017-12-26. Review status: criteria provided, single submitter. Criteria: ARUP Molecular Germline Variant Investigation Process. Collection method: clinical testing. Allele origin: germline.
Comment: The DMD p.Thr3616Ala variant (rs368996545) has not been reported in the medical literature, nor has it been previously identified in our laboratory. The p.Thr3616Ala variant is listed in the Genome Aggregation Database (gnomAD) browser with an overall allele frequency of 0.0039% (identified in 7 out of 178,443 chromosomes), and is classified as a variant of uncertain significance in ClinVar (Variant ID: 286925). The threonine at codon 3616 is highly conserved considering 7 species up to chicken (Alamut software v2.10.0), but computational analyses predict conflicting effects of this variant on protein structure/function (SIFT: tolerated, PolyPhen2: benign, MutationTaster: disease causing). Based on the available information, the clinical significance of the p.Thr3616Ala variant cannot be determined with certainty.

Eurofins Ntd Llc (ga)
Classification: Uncertain significance. Last evaluated: 2016-03-18. Review status: criteria provided, single submitter. Criteria: EGL Classification Definitions 2015. Collection method: clinical testing. Allele origin: germline. Observed: 1 variant allele, 1 heterozygote.

NM_004006.3(DMD):c.10846A>G (p.Thr3616Ala)

Gene: DMD (dystrophin; minus strand). Cytogenetic location: Xp21.2.
Variant type: single nucleotide variant.
Coding change: c.10846A>G on transcript NM_004006.3 (MANE Select); coding-DNA position 10846, A replaced by G.
Protein change: p.Thr3616Ala; replaces threonine 3616 with alanine.
Molecular consequence: missense variant.
Genome position (GRCh38, 1-based): chrX:31,146,366, T>C on the plus strand (A>G on the coding strand, the complement: DMD is on the minus strand). VCF-style: chrX-31146366-T-C. GRCh37 (hg19) VCF-style: chrX-31164483-T-C.
Other names: c.1603A>G, p.Thr535Ala (NM_004018.3, NM_004017.3); c.3136A>G, p.Thr1046Ala (NM_004020.4, NM_004023.3); c.3466A>G, p.Thr1156Ala (NM_004021.3, NM_004013.3); c.3427A>G, p.Thr1143Ala (NM_004022.3); c.10822A>G, p.Thr3608Ala (NM_000109.4); c.10834A>G, p.Thr3612Ala (NM_004009.3); c.10477A>G, p.Thr3493Ala (NM_004010.3); c.6823A>G, p.Thr2275Ala (NM_004011.4); and 3 more; short protein forms T3616A, T3493A, T3608A, T1046A, T887A, T1143A, T1156A, T2275A.
Identifiers: ClinVar variation 286925 (VCV000286925.24), dbSNP rs368996545, ClinGen allele CA10377520.